The following is an entry in ClinVar:

NM_001128228.3(TPRN):c.813T>C (p.Thr271=)

Gene: TPRN (taperin; minus strand). Cytogenetic location: 9q34.3.
Variant type: single nucleotide variant.
Coding change: c.813T>C on transcript NM_001128228.3 (MANE Select); coding-DNA position 813, T replaced by C.
Protein change: p.Thr271=; no amino-acid change (threonine 271 retained).
Molecular consequence: synonymous variant.
Genome position (GRCh38, 1-based): chr9:137,199,899, A>G on the plus strand (T>C on the coding strand, the complement: TPRN is on the minus strand). VCF-style: chr9-137199899-A-G. GRCh37 (hg19) VCF-style: chr9-140094351-A-G.
Identifiers: ClinVar variation 676782 (VCV000676782.1), dbSNP rs1244090947, ClinGen allele CA467925868.

ClinVar aggregate classification (germline): Likely benign (1 of 4 stars; one submission).

Allele frequency attached by ClinVar (database versions not stated): gnomAD 0.00003; gnomAD exomes 0.00005.
gnomAD v4.1: 10 of 1,043,832 alleles (0.00096%); highest among the groups gnomAD compares: African/African-American, 0.0097%; no homozygotes.

Submission:

GeneDx
Classification: Likely benign. Last evaluated: 2018-03-19. Review status: criteria provided, single submitter. Criteria: GeneDx Variant Classification (06012015). Collection method: clinical testing. Allele origin: germline. Affected: yes.
Comment: This variant is considered likely benign or benign based on one or more of the following criteria: it is a conservative change, it occurs at a poorly conserved position in the protein, it is predicted to be benign by multiple in silico algorithms, and/or has population frequency not consistent with disease.